The following is an entry in ClinVar:

NM_000090.4(COL3A1):c.3975C>T (p.His1325=)

Gene: COL3A1 (collagen type III alpha 1 chain; plus strand). Cytogenetic location: 2q32.2.
Variant type: single nucleotide variant.
Coding change: c.3975C>T on transcript NM_000090.4 (MANE Select); coding-DNA position 3975, C replaced by T.
Protein change: p.His1325=; no amino-acid change (histidine 1325 retained).
Molecular consequence: synonymous variant.
Genome position (GRCh38, 1-based): chr2:189,010,329, C>T. VCF-style: chr2-189010329-C-T. GRCh37 (hg19) VCF-style: chr2-189875055-C-T.
Identifiers: ClinVar variation 925105 (VCV000925105.8), dbSNP rs1167154450, ClinGen allele CA430442338.

ClinVar aggregate classification (germline): Likely benign. Review status: criteria provided, multiple submitters, no conflicts (2 of 4 stars). 5 submissions from 5 submitters: Likely benign (5). Last evaluated 2026-07-31.

Conditions:
Familial thoracic aortic aneurysm and aortic dissection (TAAD). Also called: Thoracic aortic aneurysms and dissections. Identifiers: Orphanet 91387, MedGen C4707243, MONDO:0019625.
Ehlers-Danlos syndrome, type 4 (EDSVASC). Also called: Ehlers-Danlos syndrome vascular type; Ehlers Danlos syndrome, ecchymotic type; Ehlers Danlos syndrome, arterial type; Ehlers Danlos syndrome, Sack-Barabas type; Ehlers-Danlos Syndrome Type IV. Identifiers: Orphanet 286, MedGen C0268338, MONDO:0017314, OMIM 130050.

Allele frequency attached by ClinVar (database versions not stated): gnomAD exomes below 0.00001 and 0.00001; TOPMed 0.00001.
gnomAD v4.1: 3 of 1,614,116 alleles (0.00019%); highest among the groups gnomAD compares: Admixed American, 0.0033%; no homozygotes.

Submissions (5):

Ambry Genetics
Classification: Likely benign for Familial thoracic aortic aneurysm and aortic dissection. Last evaluated: 2026-07-31. Review status: criteria provided, single submitter. Criteria: Ambry Variant Classification Scheme 2023. Collection method: clinical testing. Allele origin: germline.

Labcorp Genetics (formerly Invitae), Labcorp
Classification: Likely benign for Ehlers-Danlos syndrome, type 4. Last evaluated: 2024-10-03. Review status: criteria provided, single submitter. Criteria: Invitae Variant Classification Sherloc (09022015). Collection method: clinical testing. Allele origin: germline.

All of Us Research Program, National Institutes of Health
Classification: Likely benign for Ehlers-Danlos syndrome, type 4. Last evaluated: 2023-02-24. Review status: criteria provided, single submitter. Criteria: ACMG Guidelines, 2015. Collection method: clinical testing. Allele origin: germline. Inheritance: Autosomal dominant inheritance. Observed: 1 variant allele, 1 heterozygote.
Comment: This study involves interpretation of variants in research participants for the purpose of population health screening. Participant phenotype was not available at the time of variant classification. Additional details can be found in publication PMID: 35346344, PMCID: PMC8962531

Color Diagnostics, LLC DBA Color Health
Classification: Likely benign for Familial thoracic aortic aneurysm and aortic dissection. Last evaluated: 2019-11-24. Review status: criteria provided, single submitter. Criteria: ACMG Guidelines, 2015. Collection method: clinical testing. Allele origin: germline.

Blueprint Genetics
Classification: Likely benign. Last evaluated: 2019-09-29. Review status: criteria provided, single submitter. Criteria: ACMG Guidelines, 2015. Collection method: clinical testing. Allele origin: germline.